The following is an entry in ClinVar:

NM_001387468.1(PABIR2):c.69C>T (p.Ser23=)

Gene: PABIR2 (PABIR family member 2; minus strand). Cytogenetic location: Xq26.3.
Variant type: single nucleotide variant.
Coding change: c.69C>T on transcript NM_001387468.1 (MANE Select); coding-DNA position 69, C replaced by T.
Protein change: p.Ser23=; no amino-acid change (serine 23 retained).
Molecular consequence: synonymous variant. On other transcripts: intron variant (1).
Genome position (GRCh38, 1-based): chrX:134,796,137, G>A on the plus strand (C>T on the coding strand, the complement: PABIR2 is on the minus strand). VCF-style: chrX-134796137-G-A. GRCh37 (hg19) VCF-style: chrX-133930167-G-A.
Other names: c.69C>T, p.Ser23= (NM_001166599.3, NM_001166600.3, NM_001170756.1 and 9 more transcripts); c.-26+984C>T (NM_001170757.2).
Identifiers: ClinVar variation 2661480 (VCV002661480.24), dbSNP rs141836070, ClinGen allele CA10521892.

ClinVar aggregate classification (germline): Likely benign (1 of 4 stars; one submission).

Allele frequency attached by ClinVar (database versions not stated): ExAC 0.00008; TOPMed 0.00016; ESP Exome Variant Server 0.00019; gnomAD 0.00019; 1000 Genomes Project 0.00026; gnomAD exomes 0.00031; 1000 Genomes Project 30x 0.00042.
gnomAD v4.1: 351 of 1,208,483 alleles (0.029%); highest among the groups gnomAD compares: Non-Finnish European, 0.037%; no homozygotes.

Submission:

CeGaT Center for Human Genetics Tuebingen
Classification: Likely benign. Last evaluated: 2022-10-01. Review status: criteria provided, single submitter. Criteria: CeGaT Center For Human Genetics Tuebingen Variant Classification Criteria Version 2. Collection method: clinical testing. Allele origin: germline. Affected: yes. Observed: 1 variant allele.
Comment: PABIR2: BP4, BP7